The following is an entry in ClinVar:

NM_000282.4(PCCA):c.717-13_717-11del

Gene: PCCA (propionyl-CoA carboxylase subunit alpha; plus strand). Cytogenetic location: 13q32.3.
Variant type: Microsatellite.
Coding change: c.717-13_717-11del on transcript NM_000282.4 (MANE Select); 13 bases into the intron before coding-DNA position 717 through 11 bases into the intron before coding-DNA position 717, 3 bases deleted (CTT; older notation c.717-13_717-11delCTT).
Molecular consequence: intron variant.
Genome position (GRCh38, 1-based): chr13:100,262,716-100,262,718, CTT deleted; deleting any 3 consecutive bases within chr13:100,262,713-100,262,718 gives the same sequence; the c. name uses the placement nearest the transcript's 3' end. VCF-style (leftmost placement, unchanged base first): chr13-100262712-CCTT-C. GRCh37 (hg19) VCF-style: chr13-100914966-CCTT-C.
Other names: c.717-13_717-11del (NM_001178004.2, NM_001352605.2, NM_001352606.2 and 1 more transcripts); c.-229-13_-229-11del (NM_001352610.2, NM_001352611.2, NM_001352612.2); c.639-13_639-11del (NM_001127692.3, NM_001352607.2, NM_001352608.2).
Identifiers: ClinVar variation 1683499 (VCV001683499.2), dbSNP rs2152564870, ClinGen allele CA2580614756.

ClinVar aggregate classification (germline): Uncertain significance (1 of 4 stars; one submission).

Conditions:
Propionic acidemia (PROP). Also called: GLYCINEMIA, KETOTIC; HYPERGLYCINEMIA WITH KETOACIDOSIS AND LEUKOPENIA; KETOTIC HYPERGLYCINEMIA. Identifiers: Orphanet 35, MedGen C0268579, MONDO:0011628, OMIM 606054, HP:0003571.

Submission:

Laboratorio de Genetica e Diagnostico Molecular, Hospital Israelita Albert Einstein
Classification: Uncertain significance for Propionic acidemia. Last evaluated: 2022-02-08. Review status: criteria provided, single submitter. Criteria: ACMG Guidelines, 2015. Collection method: clinical testing. Allele origin: germline. Affected: yes.
Comment: ACMG classification criteria: PM2 moderate, PM3 moderate